The following is an entry in ClinVar:

ClinVar aggregate classification (germline): Pathogenic (1 of 4 stars; one submission).

Conditions:
Hereditary cancer-predisposing syndrome. Also called: Tumor predisposition; Hereditary neoplastic syndrome; Hereditary Cancer Syndrome; Neoplastic Syndromes, Hereditary. Identifiers: Orphanet 140162, MedGen C0027672, MeSH D009386, MONDO:0015356.

Submission:

Ambry Genetics
Classification: Pathogenic for Hereditary cancer-predisposing syndrome. Last evaluated: 2026-06-10. Review status: criteria provided, single submitter. Criteria: Ambry Variant Classification Scheme 2023. Collection method: clinical testing. Allele origin: germline.
Comment: The p.E1940* pathogenic mutation (also known as c.5818G>T), located in coding exon 38 of the ATM gene, results from a G to T substitution at nucleotide position 5818. This changes the amino acid from a glutamic acid to a stop codon within coding exon 38. This variant is considered to be rare based on population cohorts in the Genome Aggregation Database (gnomAD). This variant is expected to result in loss of function by premature protein truncation or nonsense-mediated mRNA decay. As such, this variant is interpreted as a disease-causing mutation.

NM_000051.4(ATM):c.5818G>T (p.Glu1940Ter)

Genes: ATM (ATM serine/threonine kinase; plus strand), C11orf65 (chromosome 11 open reading frame 65; minus strand). Cytogenetic location: 11q22.3.
Variant type: single nucleotide variant.
Coding change: c.5818G>T on transcript NM_000051.4 (MANE Select); coding-DNA position 5818, G replaced by T.
Protein change: p.Glu1940Ter; replaces glutamic acid 1940 with a stop codon.
Molecular consequence: nonsense. On other transcripts: intron variant (2).
Genome position (GRCh38, 1-based): chr11:108,310,215, G>T. VCF-style: chr11-108310215-G-T. GRCh37 (hg19) VCF-style: chr11-108180942-G-T.
Other names: c.5818G>T, p.Glu1940Ter (NM_001351834.2); c.641-1144C>A (NM_001330368.2); c.*39-1144C>A (NM_001351110.2); short protein forms E1940*.
Identifiers: ClinVar variation 4867086 (VCV004867086.1).
Genomic context (GRCh38, chr11:108,310,215, plus strand): 5'-TTTAGACCTTCTTCAGGAACAATTTTTAATGATGCTTTCTGGCTGGATTTAAATTATCTA[G>T]AAGTTGCCAAGGTAGCTCAGTCTTGTGCTGCTCACTTTACAGCTTTACTCTATGCAGAAA-3'